The following is an entry in ClinVar:

ClinVar aggregate classification (germline): Pathogenic/Likely pathogenic. Review status: criteria provided, multiple submitters, no conflicts (2 of 4 stars). 7 submissions from 7 submitters: Pathogenic (5); Likely pathogenic (1). 1 of the submissions does not count toward it. Last evaluated 2026-06-02.

Conditions:
Polycystic kidney disease, adult type (PKD1). Also called: Polycystic Kidney, Autosomal Dominant; Polycystic Kidney Disease 1, Autosomal Dominant; Polycystic kidney disease 1; Polycystic kidney disease 1, severe; POLYCYSTIC KIDNEY DISEASE 1 WITH OR WITHOUT POLYCYSTIC LIVER DISEASE; POLYCYSTIC KIDNEY DISEASE, ADULT, TYPE I. Identifiers: MedGen C3149841, MONDO:0008263, OMIM 173900.
Autosomal dominant polycystic kidney disease. Identifiers: Orphanet 730, MedGen C0085413, MONDO:0004691.
Polycystic kidney disease. Also called: Kidney, Polycystic; Polycystic kidney dysplasia. Identifiers: MedGen C0022680, MeSH D007690, MONDO:0020642, HP:0000113.
Cystic renal disease.
PKD1-related disorder. Also called: PKD1-related condition.

Submissions (7):

Victorian Clinical Genetics Services, Murdoch Childrens Research Institute
Classification: Pathogenic for Polycystic kidney disease, adult type. Last evaluated: 2026-06-02. Review status: criteria provided, single submitter. Criteria: ACMG Guidelines, 2015. Collection method: clinical testing. Allele origin: germline. Affected: yes.
Comment: This variant is classified as Pathogenic. Evidence in support of pathogenic classification: Splice site variant proven to affect splicing of the transcript with a known effect on protein sequence. This variant has been shown to cause abnormal splicing, resulting in a truncated protein (PMID: 24575920); Variant is absent from gnomAD (v2, v3 and v4); This variant has moderate previous evidence of pathogenicity in unrelated individuals. This variant has been classified as pathogenic by clinical laboratories in ClinVar, and reported in the literature in a family with ADPKD (PMID: 24575920); Other protein truncating variant(s) comparable to the one identified in this case have very strong previous evidence for pathogenicity (DECIPHER). Additional information: This variant is heterozygous; This gene is associated with autosomal dominant disease. Polycystic kidney disease 1 (MIM#173900) is predominantly caused by monoallelic variants, with rare reports of biallelic variants causing disease (OMIM); Loss of function is a known mechanism of disease in this gene and is associated with polycystic kidney disease 1 (MIM#173900); Inheritance information for this variant is not currently available in this individual.

Women's Health and Genetics/Laboratory Corporation of America, LabCorp
Classification: Pathogenic for Polycystic kidney disease, adult type. Last evaluated: 2026-03-09. Review status: criteria provided, single submitter. Criteria: LabCorp Variant Classification Summary - May 2015. Collection method: clinical testing. Allele origin: germline.
Comment: Variant summary: PKD1 c.12444+1G>A is located in a canonical splice-site in the last intron and is predicted to affect mRNA splicing resulting in a significantly altered protein due to either exon skipping, shortening, or inclusion of intronic material. Variants that disrupt the consensus splice site are a relatively common cause of aberrant splicing and loss of PKD1 function. Several computational tools predict a significant impact on normal splicing: Four predict the variant abolishes the canonical 5' splicing donor site. Two predict the variant strengthens a cryptic 5' donor site. At least one publication reports experimental evidence that this variant affects mRNA splicing (Yu_2014). The variant was absent in 244378 control chromosomes (gnomAD). c.12444+1G>A has been observed in related individuals affected with autosomal dominant Polycystic Kidney Disease 1 and segregated with the disease phenotype (e.g. Yu_2014). These data indicate that the variant is likely associated with disease. The following publication has been ascertained in the context of this evaluation (PMID: 24575920). ClinVar contains an entry for this variant (Variation ID: 975069). Based on the evidence outlined above, the variant was classified as pathogenic.

Genetics Laboratory, Great Ormond Street Hospital NHS Foundation Trust, North Thames Genomic Laboratory Hub
Classification: Likely pathogenic for Cystic renal disease. Last evaluated: 2026-01-24. Review status: criteria provided, single submitter. Criteria: ACGS Best Practice Guidelines for Variant Classification in Rare Disease 2024 v1.2. Collection method: clinical testing. Allele origin: germline. Affected: yes.
Comment: PS4_moderate, PM2_moderate, PVS1_strong

PreventionGenetics, part of Exact Sciences
Classification: Pathogenic for PKD1-related condition. Last evaluated: 2025-09-26. Review status: criteria provided, single submitter. Criteria: ACMG Guidelines, 2015. Collection method: clinical testing. Allele origin: germline.
Comment: The PKD1 c.12444+1G>A variant is predicted to disrupt the GT donor site and interfere with normal splicing. This variant was reported in individuals with autosomal dominant polycystic kidney disease (ADPKD) (see for example, Yu et al. 2014. PubMed ID: 24575920; Supplementary Table S2, Jayasinghe et al. 2020. PubMed ID: 32939031). This variant has not been reported in a large population database (gnomAD), indicating this variant is rare. Variants that disrupt the consensus splice donor site in PKD1 are expected to be pathogenic. This variant is interpreted as pathogenic.

Molecular Genetics, Royal Melbourne Hospital
Classification: Pathogenic for Autosomal dominant polycystic kidney disease. Last evaluated: 2024-12-06. Review status: criteria provided, single submitter. Criteria: ACMG Guidelines, 2015. Collection method: clinical testing. Allele origin: germline. Inheritance: Autosomal dominant inheritance. Affected: yes.
Comment: This sequence change in PKD1 occurs within the canonical splice acceptor site of intron 45. It is observed to cause cryptic donor site activation in RNA assays, resulting in an in-frame deletion (removes amino acids 4149-4304) that is expected to escape nonsense-mediated decay and remove <10% of the protein including the coiled coil domain which is a critical functional domain for PKD1 (PMID: 24575920, 9192675, 25574838). This variant is absent from the population database gnomAD v4.1. This variant has been reported in at least two unrelated families with autosomal dominant polycystic kidney disease and segregates with disease in multiple affected individuals in one family (PMID: 24575920, 32939031). Based on the classification scheme RMH Modified ACMG/AMP Guidelines v1.7.0, this variant is classified as PATHOGENIC. Following criteria are met: PVS1, PP1_Moderate, PS4_Moderate, PM2_Supporting

Clinical Genetics Laboratory, Skane University Hospital Lund
Classification: Pathogenic. Last evaluated: 2024-01-12. Review status: criteria provided, single submitter. Criteria: ACMG Guidelines, 2015. Collection method: clinical testing. Allele origin: germline. Affected: yes.

Department of Pathology and Laboratory Medicine, Sinai Health System
Classification: Pathogenic for Polycystic Kidney disease. Review status: no assertion criteria provided. Collection method: clinical testing. Allele origin: unknown. Affected: yes. Study: The Canadian Open Genetics Repository (COGR). Not counted in ClinVar's aggregate classification.
Comment: The PKD1 c.12444+1G>A variant not identified in the dbSNP, ClinVar, ADPKD Mutation Database, or PKD1-LOVD databases. The variant was not identified in the following control databases: the Exome Aggregation Consortium (August 8th 2016), or the Genome Aggregation Database (Feb 27, 2017). The variant was identified in the literature as pathogenic (Abdelwahed_2018_29860066, Yu_2014_24575920). In addition, functional studies by RT-PCR using primers located in exon-exon junctional region of the cDNA found that c.12444 + 1G>A definitely destroyed the native splice site and created a novel donor site with truncating effect (Yu_2014_24575920). It was also reported the variant was found to segregate with disease in three family members (Yu_2014_24575920). The c.12444+1G>A variant is predicted to cause abnormal splicing because the nucleotide substitution occurs in the invariant region of the splice consensus sequence; 4 of 4 in silico or computational prediction software programs (SpliceSiteFinder, MaxEntScan, NNSPLICE, GeneSplicer) predict a greater than 10% difference in splicing. In summary, based on the above information this variant meets our laboratoryâ€šÃ„Ã´s criteria to be classified as pathogenic.

Literature cited by the submitters: PubMed 24575920 (cited by 3 submitters); PubMed 9192675 (cited by Molecular Genetics, Royal Melbourne Hospital); PubMed 25574838 (cited by Molecular Genetics, Royal Melbourne Hospital); PubMed 32939031 (cited by Molecular Genetics, Royal Melbourne Hospital).

NM_001009944.3(PKD1):c.12444+1G>A

Genes: MIR1225 (microRNA 1225; minus strand), PKD1 (polycystin 1, transient receptor potential channel interacting; minus strand). Cytogenetic location: 16p13.3.
Variant type: single nucleotide variant.
Coding change: c.12444+1G>A on transcript NM_001009944.3 (MANE Select); the canonical splice donor site of the intron after coding-DNA position 12444, G replaced by A.
Molecular consequence: splice donor variant. On other transcripts: non-coding transcript variant (1).
Genome position (GRCh38, 1-based): chr16:2,090,284, C>T on the plus strand (G>A on the coding strand, the complement: PKD1 is on the minus strand). VCF-style: chr16-2090284-C-T. GRCh37 (hg19) VCF-style: chr16-2140285-C-T.
Other names: c.12441+1G>A (NM_000296.4).
Identifiers: ClinVar variation 975069 (VCV000975069.10), dbSNP rs2091431794, ClinGen allele CA394324476.